The following is an entry in ClinVar:

NM_001457.4(FLNB):c.508del (p.Ala170fs)

Gene: FLNB (filamin B; plus strand). Cytogenetic location: 3p14.3.
Variant type: Deletion.
Coding change: c.508del on transcript NM_001457.4 (MANE Select); coding-DNA position 508, one base deleted (G; older notation c.508delG).
Protein change: p.Ala170fs; shifts the reading frame from alanine 170.
Molecular consequence: frameshift variant.
Genome position (GRCh38, 1-based): chr3:58,077,261, G deleted. VCF-style (leftmost placement, unchanged base first): chr3-58077260-AG-A. GRCh37 (hg19) VCF-style: chr3-58062987-AG-A.
Other names: c.508del, p.Ala170fs (NM_001164317.2, NM_001164318.2, NM_001164319.2); short protein forms A170fs.
Identifiers: ClinVar variation 4725292 (VCV004725292.1).

ClinVar aggregate classification (germline): Pathogenic (1 of 4 stars; one submission).

Submission:

Labcorp Genetics (formerly Invitae), Labcorp
Classification: Pathogenic. Last evaluated: 2025-08-24. Review status: criteria provided, single submitter. Criteria: Invitae Variant Classification Sherloc (09022015). Collection method: clinical testing. Allele origin: germline.
Comment: This sequence change creates a premature translational stop signal (p.Ala170Profs*6) in the FLNB gene. It is expected to result in an absent or disrupted protein product. Loss-of-function variants in FLNB are known to be pathogenic (PMID: 14991055). This variant is not present in population databases (gnomAD no frequency). This variant has not been reported in the literature in individuals affected with FLNB-related conditions. For these reasons, this variant has been classified as Pathogenic.

Literature cited by the submitters: PubMed 14991055.